The following is an entry in ClinVar:

NM_014520.4(MYBBP1A):c.3789A>T (p.Gly1263=)

Gene: MYBBP1A (MYB binding protein 1a; minus strand). Cytogenetic location: 17p13.2.
Variant type: single nucleotide variant.
Coding change: c.3789A>T on transcript NM_014520.4 (MANE Select); coding-DNA position 3789, A replaced by T.
Protein change: p.Gly1263=; no amino-acid change (glycine 1263 retained).
Molecular consequence: synonymous variant.
Genome position (GRCh38, 1-based): chr17:4,539,613, T>A on the plus strand (A>T on the coding strand, the complement: MYBBP1A is on the minus strand). VCF-style: chr17-4539613-T-A. GRCh37 (hg19) VCF-style: chr17-4442908-T-A.
Other names: c.3789A>T, p.Gly1263= (NM_001105538.2).
Identifiers: ClinVar variation 2647260 (VCV002647260.23), dbSNP rs150145302, ClinGen allele CA8303907.

ClinVar aggregate classification (germline): Likely benign (1 of 4 stars; one submission).

Allele frequency attached by ClinVar (database versions not stated): 1000 Genomes Project 30x 0.00078; 1000 Genomes Project 0.00080; ExAC 0.00118; ESP Exome Variant Server 0.00154; gnomAD 0.00158; TOPMed 0.00162; gnomAD exomes 0.00172.
gnomAD v4.1: 2,760 of 1,613,942 alleles (0.17%); highest among the groups gnomAD compares: Middle Eastern, 0.74%; 5 homozygotes.

Submission:

CeGaT Center for Human Genetics Tuebingen
Classification: Likely benign. Last evaluated: 2022-12-01. Review status: criteria provided, single submitter. Criteria: CeGaT Center For Human Genetics Tuebingen Variant Classification Criteria Version 2. Collection method: clinical testing. Allele origin: germline. Affected: yes. Observed: 1 variant allele.
Comment: MYBBP1A: BP4, BP7, BS2